The following is an entry in ClinVar:

ClinVar aggregate classification (germline): Uncertain significance (1 of 4 stars; one submission).

Conditions:
Lethal congenital glycogen storage disease of heart. Also called: PHOSPHORYLASE KINASE DEFICIENCY OF HEART; GLYCOGEN STORAGE DISEASE OF HEART. Identifiers: Orphanet 439854, MedGen C1849813, MONDO:0009867, OMIM 261740.

Submission:

Labcorp Genetics (formerly Invitae), Labcorp
Classification: Uncertain significance for Lethal congenital glycogen storage disease of heart. Last evaluated: 2024-01-17. Review status: criteria provided, single submitter. Criteria: Invitae Variant Classification Sherloc (09022015). Collection method: clinical testing. Allele origin: germline.
Comment: This sequence change replaces aspartic acid, which is acidic and polar, with glycine, which is neutral and non-polar, at codon 491 of the PRKAG2 protein (p.Asp491Gly). This variant is not present in population databases (gnomAD no frequency). This variant has not been reported in the literature in individuals affected with PRKAG2-related conditions. Advanced modeling of protein sequence and biophysical properties (such as structural, functional, and spatial information, amino acid conservation, physicochemical variation, residue mobility, and thermodynamic stability) has been performed at Invitae for this missense variant, however the output from this modeling did not meet the statistical confidence thresholds required to predict the impact of this variant on PRKAG2 protein function. In summary, the available evidence is currently insufficient to determine the role of this variant in disease. Therefore, it has been classified as a Variant of Uncertain Significance.

NM_016203.4(PRKAG2):c.1472A>G (p.Asp491Gly)

Gene: PRKAG2 (protein kinase AMP-activated non-catalytic subunit gamma 2; minus strand). Cytogenetic location: 7q36.1.
Variant type: single nucleotide variant.
Coding change: c.1472A>G on transcript NM_016203.4 (MANE Select); coding-DNA position 1472, A replaced by G.
Protein change: p.Asp491Gly; replaces aspartic acid 491 with glycine.
Molecular consequence: missense variant.
Genome position (GRCh38, 1-based): chr7:151,564,190, T>C on the plus strand (A>G on the coding strand, the complement: PRKAG2 is on the minus strand). VCF-style: chr7-151564190-T-C. GRCh37 (hg19) VCF-style: chr7-151261276-T-C.
Other names: c.1340A>G, p.Asp447Gly (NM_001040633.2, NM_001407024.1); c.1097A>G, p.Asp366Gly (NM_001304527.2, NM_001407029.1); c.749A>G, p.Asp250Gly (NM_001304531.2, NM_001407034.1, NM_001407035.1 and 1 more transcripts); c.1100A>G, p.Asp367Gly (NM_001363698.2, NM_001407028.1); c.1472A>G, p.Asp491Gly (NM_001407021.1); c.1469A>G, p.Asp490Gly (NM_001407022.1, NM_001407023.1); c.1337A>G, p.Asp446Gly (NM_001407026.1, NM_001407027.1); c.1184A>G, p.Asp395Gly (NM_001407030.1); and 6 more; short protein forms D250G, D394G, D491G, D249G, D366G, D383G, D446G, D490G.
Identifiers: ClinVar variation 2906220 (VCV002906220.3), dbSNP rs2536275816, ClinGen allele CA370070667.
Genomic context (GRCh38, chr7:151,564,190, plus strand): 5'-CACTTCACAACACCTTCAAAATACTGTGAACGGTGCTGAAGGGCCTGGGTCACCGTGATA[T>C]CTAGGTTATTGTATGTTTTCTCAGCAGCAAGATTCTGTAATGAAGCAAGAGAATAAATTA-3'
Protein context (NP_057287.2, residues 481-501): LAAEKTYNNL[Asp491Gly]ITVTQALQHR